The following is an entry in ClinVar:

NM_001198.4(PRDM1):c.811A>G (p.Ile271Val)

Gene: PRDM1 (PR/SET domain 1; plus strand). Cytogenetic location: 6q21.
Variant type: single nucleotide variant.
Coding change: c.811A>G on transcript NM_001198.4 (MANE Select); coding-DNA position 811, A replaced by G.
Protein change: p.Ile271Val; replaces isoleucine 271 with valine.
Molecular consequence: missense variant.
Genome position (GRCh38, 1-based): chr6:106,104,971, A>G. VCF-style: chr6-106104971-A-G. GRCh37 (hg19) VCF-style: chr6-106552846-A-G.
Other names: c.409A>G, p.Ile137Val (NM_182907.3); short protein forms I271V, I137V.
Identifiers: ClinVar variation 135078 (VCV000135078.5), dbSNP rs149024185, ClinGen allele CA161622.

ClinVar aggregate classification (germline): Benign. Review status: criteria provided, single submitter (1 of 4 stars). 2 submissions from 2 submitters: Benign (1). 1 of the submissions does not count toward it. Last evaluated 2019-12-31.

Allele frequency attached by ClinVar (database versions not stated): gnomAD exomes 0.00025 and 0.00070; ExAC 0.00101; 1000 Genomes Project 30x 0.00328; gnomAD 0.00331 and 0.00353; TOPMed 0.00358; 1000 Genomes Project 0.00379; ESP Exome Variant Server 0.00408.
gnomAD v4.1: 892 of 1,614,020 alleles (0.055%); highest among the groups gnomAD compares: African/African-American, 1.1%; 4 homozygotes.

Submissions (2):

Labcorp Genetics (formerly Invitae), Labcorp
Classification: Benign. Last evaluated: 2019-12-31. Review status: criteria provided, single submitter. Criteria: Invitae Variant Classification Sherloc (09022015). Collection method: clinical testing. Allele origin: germline.

ITMI
No classification provided. Condition: AllHighlyPenetrant. Last evaluated: 2013-09-19. Review status: no classification provided. Collection method: reference population. Allele origin: germline. Not counted in ClinVar's aggregate classification.
Comment: Please see associated publication for description of ethnicities

Literature cited by the submitters: PubMed 24728327 (cited by ITMI).